The following is an entry in ClinVar:

ClinVar aggregate classification (germline): Uncertain significance (1 of 4 stars; one submission).

Allele frequency attached by ClinVar (database versions not stated): gnomAD 0.00001; gnomAD exomes 0.00001; ExAC 0.00002; TOPMed 0.00005.
gnomAD v4.1: 11 of 1,613,862 alleles (0.00068%); highest among the groups gnomAD compares: Admixed American, 0.0083%; no homozygotes.

Submission:

Labcorp Genetics (formerly Invitae), Labcorp
Classification: Uncertain significance. Last evaluated: 2022-08-23. Review status: criteria provided, single submitter. Criteria: Invitae Variant Classification Sherloc (09022015). Collection method: clinical testing. Allele origin: germline.
Comment: This sequence change replaces arginine, which is basic and polar, with tryptophan, which is neutral and slightly polar, at codon 911 of the KIAA0753 protein (p.Arg911Trp). This variant is present in population databases (rs754889473, gnomAD 0.009%). This variant has not been reported in the literature in individuals affected with KIAA0753-related conditions. Algorithms developed to predict the effect of missense changes on protein structure and function (SIFT, PolyPhen-2, Align-GVGD) all suggest that this variant is likely to be disruptive. In summary, the available evidence is currently insufficient to determine the role of this variant in disease. Therefore, it has been classified as a Variant of Uncertain Significance.

NM_014804.3(KIAA0753):c.2731C>T (p.Arg911Trp)

Gene: KIAA0753 (KIAA0753; minus strand). Cytogenetic location: 17p13.1.
Variant type: single nucleotide variant.
Coding change: c.2731C>T on transcript NM_014804.3 (MANE Select); coding-DNA position 2731, C replaced by T.
Protein change: p.Arg911Trp; replaces arginine 911 with tryptophan.
Molecular consequence: missense variant. On other transcripts: non-coding transcript variant (3).
Genome position (GRCh38, 1-based): chr17:6,589,834, G>A on the plus strand (C>T on the coding strand, the complement: KIAA0753 is on the minus strand). VCF-style: chr17-6589834-G-A. GRCh37 (hg19) VCF-style: chr17-6493154-G-A.
Other names: c.1834C>T, p.Arg612Trp (NM_001351225.2); short protein forms R612W, R911W.
Identifiers: ClinVar variation 1921441 (VCV001921441.2), dbSNP rs754889473, ClinGen allele CA8330063.